The following is an entry in ClinVar:

NM_001267550.2(TTN):c.105929G>C (p.Ser35310Thr)

Genes: TTN (titin; minus strand), TTN-AS1 (TTN antisense RNA 1; plus strand), LOC129935183 (ATAC-STARR-seq lymphoblastoid active region 16808; plus strand). Cytogenetic location: 2q31.2.
Variant type: single nucleotide variant.
Coding change: c.105929G>C on transcript NM_001267550.2 (MANE Select); coding-DNA position 105929, G replaced by C.
Protein change: p.Ser35310Thr; replaces serine 35310 with threonine.
Molecular consequence: missense variant.
Genome position (GRCh38, 1-based): chr2:178,530,686, C>G on the plus strand (G>C on the coding strand, the complement: TTN is on the minus strand). VCF-style: chr2-178530686-C-G. GRCh37 (hg19) VCF-style: chr2-179395413-C-G.
Other names: c.101006G>C, p.Ser33669Thr (NM_001256850.1); c.78734G>C, p.Ser26245Thr (NM_003319.4); c.98225G>C, p.Ser32742Thr (NM_133378.4); c.79109G>C, p.Ser26370Thr (NM_133432.3); c.79310G>C, p.Ser26437Thr (NM_133437.4); short protein forms S35310T, S26245T, S26437T, S32742T, S26370T, S33669T.
Identifiers: ClinVar variation 466746 (VCV000466746.12), dbSNP rs1553484229, ClinGen allele CA349407431.
Genomic context (GRCh38, chr2:178,530,686, plus strand): 5'-CCATTTTCCTTCAGTTTCTTGCCATCTTTATACCAGGTGACCTCTTTTGCCCTTAATACA[C>G]TGCTTTCAACCACACAGGTCAGTTTTGCAATCTCTTTAGAAGCTTCTGCTTTCAGGAACT-3'
Protein context (NP_001254479.2, residues 35300-35320): IAKLTCVVES[Ser35310Thr]VLRAKEVTWY

ClinVar aggregate classification (germline): Uncertain significance (1 of 4 stars; one submission).

Conditions:
Autosomal recessive limb-girdle muscular dystrophy type 2J (LGMDR10). Also called: Limb-girdle muscular dystrophy, type 2J; MUSCULAR DYSTROPHY, LIMB-GIRDLE, AUTOSOMAL RECESSIVE 10. Identifiers: Orphanet 140922, MedGen C1837342, MONDO:0012127, OMIM 608807.
Dilated cardiomyopathy 1G (CMD1G). Identifiers: Orphanet 154, MedGen C1858763, MONDO:0011400, OMIM 604145.

gnomAD v4.1: 1 of 1,613,970 alleles (0.000062%); highest among the groups gnomAD compares: Non-Finnish European, 0.000085%; no homozygotes.

Submission:

Labcorp Genetics (formerly Invitae), Labcorp
Classification: Uncertain significance for Dilated cardiomyopathy 1G; Autosomal recessive limb-girdle muscular dystrophy type 2J. Last evaluated: 2024-05-12. Review status: criteria provided, single submitter. Criteria: Invitae Variant Classification Sherloc (09022015). Collection method: clinical testing. Allele origin: germline.
Comment: This sequence change replaces serine, which is neutral and polar, with threonine, which is neutral and polar, at codon 35310 of the TTN protein (p.Ser35310Thr). This variant is not present in population databases (gnomAD no frequency). This variant has not been reported in the literature in individuals affected with TTN-related conditions. ClinVar contains an entry for this variant (Variation ID: 466746). Algorithms developed to predict the effect of missense changes on protein structure and function output the following: SIFT: "Not Available"; PolyPhen-2: "Not Available"; Align-GVGD: "Not Available". The threonine amino acid residue is found in multiple mammalian species, which suggests that this missense change does not adversely affect protein function. This variant is located in the M band of TTN (PMID: 25589632). Non-truncating variants in this region may be relevant for neuromuscular disorders, but have not been definitively shown to cause cardiomyopathy (PMID: 23975875). In summary, the available evidence is currently insufficient to determine the role of this variant in disease. Therefore, it has been classified as a Variant of Uncertain Significance.

Literature cited by the submitters: PubMed 25589632; PubMed 23975875.